The following is an entry in ClinVar:

ClinVar aggregate classification (germline): Uncertain significance (1 of 4 stars; one submission).

Submission:

GeneDx
Classification: Uncertain significance. Last evaluated: 2024-01-10. Review status: criteria provided, single submitter. Criteria: GeneDx Variant Classification Process June 2021. Collection method: clinical testing. Allele origin: germline. Affected: yes.
Comment: Not observed at significant frequency in large population cohorts (gnomAD); In-silico analysis is inconclusive as to whether the variant impacts protein structure/function. In the absence of functional studies, the actual effect of this sequence change is unknown; Has not been previously published as pathogenic or benign to our knowledge

NM_006158.5(NEFL):c.55G>C (p.Val19Leu)

Gene: NEFL (neurofilament light chain; minus strand). Cytogenetic location: 8p21.2.
Variant type: single nucleotide variant.
Coding change: c.55G>C on transcript NM_006158.5 (MANE Select); coding-DNA position 55, G replaced by C.
Protein change: p.Val19Leu; replaces valine 19 with leucine.
Molecular consequence: missense variant.
Genome position (GRCh38, 1-based): chr8:24,956,461, C>G on the plus strand (G>C on the coding strand, the complement: NEFL is on the minus strand). VCF-style: chr8-24956461-C-G. GRCh37 (hg19) VCF-style: chr8-24813975-C-G.
Other names: short protein forms V19L.
Identifiers: ClinVar variation 3367697 (VCV003367697.1).